The following is an entry in ClinVar:

ClinVar aggregate classification (germline): Uncertain significance (1 of 4 stars; one submission).

Submission:

Mayo Clinic Laboratories, Mayo Clinic
Classification: Uncertain significance. Last evaluated: 2025-10-16. Review status: criteria provided, single submitter. Criteria: ACMG Guidelines, 2015. Collection method: clinical testing. Allele origin: germline. Observed: 1 variant allele.
Comment: PM2_supporting, PM4

NM_014846.4(WASHC5):c.1273_1275del (p.Lys425del)

Gene: WASHC5 (WASH complex subunit 5; minus strand). Cytogenetic location: 8q24.13.
Variant type: Deletion.
Coding change: c.1273_1275del on transcript NM_014846.4 (MANE Select); coding-DNA positions 1273 to 1275, 3 bases deleted (AAA; older notation c.1273_1275delAAA).
Protein change: p.Lys425del; deletes lysine 425.
Molecular consequence: inframe deletion.
Genome position (GRCh38, 1-based): chr8:125,067,595-125,067,597, TTT deleted on the plus strand (AAA on the coding strand, the reverse complement: WASHC5 is on the minus strand). VCF-style (leftmost placement, unchanged base first): chr8-125067594-CTTT-C. GRCh37 (hg19) VCF-style: chr8-126079836-CTTT-C.
Other names: p.Lys425del; c.829_831del, p.Lys277del (NM_001330609.2); short protein forms K277del, K425del.
Identifiers: ClinVar variation 4541398 (VCV004541398.1).